The following is an entry in ClinVar:

NM_006506.5(RASA2):c.1006T>G (p.Ser336Ala)

Gene: RASA2 (RAS p21 protein activator 2; plus strand). Cytogenetic location: 3q23.
Variant type: single nucleotide variant.
Coding change: c.1006T>G on transcript NM_006506.5 (MANE Select); coding-DNA position 1006, T replaced by G.
Protein change: p.Ser336Ala; replaces serine 336 with alanine.
Molecular consequence: missense variant.
Genome position (GRCh38, 1-based): chr3:141,571,054, T>G. VCF-style: chr3-141571054-T-G. GRCh37 (hg19) VCF-style: chr3-141289896-T-G.
Other names: c.1006T>G, p.Ser336Ala (NM_001303245.3, NM_001303246.3); short protein forms S336A.
Identifiers: ClinVar variation 3649307 (VCV003649307.2).

ClinVar aggregate classification (germline): Uncertain significance (1 of 4 stars; one submission).

gnomAD v4.1: 1 of 1,601,014 alleles (0.000062%); highest among the groups gnomAD compares: Non-Finnish European, 0.000085%; no homozygotes.

Submission:

Labcorp Genetics (formerly Invitae), Labcorp
Classification: Uncertain significance. Last evaluated: 2024-04-09. Review status: criteria provided, single submitter. Criteria: Invitae Variant Classification Sherloc (09022015). Collection method: clinical testing. Allele origin: germline.
Comment: This sequence change replaces serine, which is neutral and polar, with alanine, which is neutral and non-polar, at codon 336 of the RASA2 protein (p.Ser336Ala). This variant is not present in population databases (gnomAD no frequency). This variant has not been reported in the literature in individuals affected with RASA2-related conditions. Advanced modeling of protein sequence and biophysical properties (such as structural, functional, and spatial information, amino acid conservation, physicochemical variation, residue mobility, and thermodynamic stability) performed at Invitae indicates that this missense variant is not expected to disrupt RASA2 protein function with a negative predictive value of 80%. In summary, the available evidence is currently insufficient to determine the role of this variant in disease. Therefore, it has been classified as a Variant of Uncertain Significance.